The following is an entry in ClinVar:

NM_001069.3(TUBB2A):c.270C>G (p.Phe90Leu)

Gene: TUBB2A (tubulin beta 2A class IIa; minus strand). Cytogenetic location: 6p25.2.
Variant type: single nucleotide variant.
Coding change: c.270C>G on transcript NM_001069.3 (MANE Select); coding-DNA position 270, C replaced by G.
Protein change: p.Phe90Leu; replaces phenylalanine 90 with leucine.
Molecular consequence: missense variant. On other transcripts: 5 prime UTR variant (1).
Genome position (GRCh38, 1-based): chr6:3,155,632, G>C on the plus strand (C>G on the coding strand, the complement: TUBB2A is on the minus strand). VCF-style: chr6-3155632-G-C. GRCh37 (hg19) VCF-style: chr6-3155866-G-C.
Other names: c.-118C>G (NM_001310315.2); short protein forms F90L.
Identifiers: ClinVar variation 2503405 (VCV002503405.1), dbSNP rs562003687, ClinGen allele CA362593135.

ClinVar aggregate classification (germline): Uncertain significance (1 of 4 stars; one submission).

Submission:

GeneDx
Classification: Uncertain significance. Last evaluated: 2022-11-28. Review status: criteria provided, single submitter. Criteria: GeneDx Variant Classification Process June 2021. Collection method: clinical testing. Allele origin: germline. Affected: yes.
Comment: Not observed at significant frequency in large population cohorts (gnomAD); In silico analysis supports that this missense variant has a deleterious effect on protein structure/function; Has not been previously published as pathogenic or benign to our knowledge